The following is an entry in ClinVar:

NM_001371623.1(TCOF1):c.4007A>G (p.Lys1336Arg)

Gene: TCOF1 (treacle ribosome biogenesis factor 1; plus strand). Cytogenetic location: 5q32.
Variant type: single nucleotide variant.
Coding change: c.4007A>G on transcript NM_001371623.1 (MANE Select); coding-DNA position 4007, A replaced by G.
Protein change: p.Lys1336Arg; replaces lysine 1336 with arginine.
Molecular consequence: missense variant.
Genome position (GRCh38, 1-based): chr5:150,396,504, A>G. VCF-style: chr5-150396504-A-G. GRCh37 (hg19) VCF-style: chr5-149776067-A-G.
Other names: p.Lys1335Arg; c.3773A>G, p.Lys1258Arg (NM_000356.4); c.4004A>G, p.Lys1335Arg (NM_001135243.2); c.3893A>G, p.Lys1298Arg (NM_001135244.2); c.3776A>G, p.Lys1259Arg (NM_001135245.2); c.3890A>G, p.Lys1297Arg (NM_001195141.2); short protein forms K1258R, K1335R, K1259R, K1298R, K1297R, K1336R.
Identifiers: ClinVar variation 257553 (VCV000257553.50), dbSNP rs55980697, ClinGen allele CA3511647.

ClinVar aggregate classification (germline): Benign. Review status: criteria provided, multiple submitters, no conflicts (2 of 4 stars). 7 submissions from 7 submitters: Benign (7). Last evaluated 2026-04-01.

Conditions:
Treacher Collins syndrome 1 (TCS1). Also called: TCOF1-Related Treacher Collins Syndrome. Identifiers: Orphanet 861, MedGen CN315775, MONDO:0007944, OMIM 154500.

Allele frequency attached by ClinVar (database versions not stated): ExAC 0.01039; gnomAD exomes 0.01023 and 0.00853; 1000 Genomes Project 0.00519; 1000 Genomes Project 30x 0.00547; ESP Exome Variant Server 0.00739; TOPMed 0.00745; gnomAD 0.00823 and 0.00865.
gnomAD v4.1: 16,165 of 1,612,838 alleles (1%); highest among the groups gnomAD compares: Middle Eastern, 1.2%; 94 homozygotes.

Submissions (7):

CeGaT Center for Human Genetics Tuebingen
Classification: Benign. Last evaluated: 2026-04-01. Review status: criteria provided, single submitter. Criteria: CeGaT Center For Human Genetics Tuebingen Variant Classification Criteria Version 2. Collection method: clinical testing. Allele origin: germline. Affected: yes. Observed: 9 variant alleles.
Comment: TCOF1: BP4, BS1, BS2

Labcorp Genetics (formerly Invitae), Labcorp
Classification: Benign for Treacher Collins syndrome 1. Last evaluated: 2026-02-01. Review status: criteria provided, single submitter. Criteria: Invitae Variant Classification Sherloc (09022015). Collection method: clinical testing. Allele origin: germline.

Mayo Clinic Laboratories, Mayo Clinic
Classification: Benign. Last evaluated: 2022-04-19. Review status: criteria provided, single submitter. Criteria: ACMG Guidelines, 2015. Collection method: clinical testing. Allele origin: germline. Observed: 3 variant alleles.
Comment: BS1, BS2

GeneDx
Classification: Benign. Last evaluated: 2020-01-16. Review status: criteria provided, single submitter. Criteria: GeneDx Variant Classification Process June 2021. Collection method: clinical testing. Allele origin: germline. Affected: yes.
Comment: This variant is associated with the following publications: (PMID: 28065470)

Athena Diagnostics
Classification: Benign. Last evaluated: 2019-05-15. Review status: criteria provided, single submitter. Criteria: Athena Diagnostics Criteria. Collection method: clinical testing. Allele origin: germline.

Eurofins Ntd Llc (ga)
Classification: Benign. Last evaluated: 2017-11-02. Review status: criteria provided, single submitter. Criteria: EGL Classification Definitions 2015. Collection method: clinical testing. Allele origin: germline. Observed: 1 variant allele, 1 heterozygote.

PreventionGenetics, part of Exact Sciences
Classification: Benign. Review status: criteria provided, single submitter. Criteria: ACMG Guidelines, 2015. Collection method: clinical testing. Allele origin: germline.